The following is an entry in ClinVar:

NM_006648.4(WNK2):c.3326C>T (p.Pro1109Leu)

Gene: WNK2 (WNK lysine deficient protein kinase 2; plus strand). Cytogenetic location: 9q22.31.
Variant type: single nucleotide variant.
Coding change: c.3326C>T on transcript NM_006648.4 (MANE Select); coding-DNA position 3326, C replaced by T.
Protein change: p.Pro1109Leu; replaces proline 1109 with leucine.
Molecular consequence: missense variant.
Genome position (GRCh38, 1-based): chr9:93,262,073, C>T. VCF-style: chr9-93262073-C-T. GRCh37 (hg19) VCF-style: chr9-96024355-C-T.
Other names: c.3326C>T, p.Pro1109Leu (NM_001282394.3); short protein forms P1109L.
Identifiers: ClinVar variation 3470199 (VCV003470199.1).
Genomic context (GRCh38, chr9:93,262,073, plus strand): 5'-CACTTCTGCCACCAGCAAACCCACCGCTGCCTGGCGGGCCCGGGATCGCCAGCCCTTGCC[C>T]AACTGTCCAGCTGACGGTGGAACCAGTCCAAGAGGTGTGTGCCCCTCCCCCCAGCCTGTC-3'
Protein context (NP_006639.3, residues 1099-1119): PGGPGIASPC[Pro1109Leu]TVQLTVEPVQ

ClinVar aggregate classification (germline): Uncertain significance (1 of 4 stars; one submission).

gnomAD v4.1: 8 of 1,608,028 alleles (0.0005%); highest among the groups gnomAD compares: Non-Finnish European, 0.00068%; no homozygotes.

Submission:

Ambry Genetics
Classification: Uncertain significance. Last evaluated: 2024-11-18. Review status: criteria provided, single submitter. Criteria: Ambry Variant Classification Scheme 2023. Collection method: clinical testing. Allele origin: germline.
Comment: The p.P1109L variant (also known as c.3326C>T), located in coding exon 12 of the WNK2 gene, results from a C to T substitution at nucleotide position 3326. The proline at codon 1109 is replaced by leucine, an amino acid with similar properties. This amino acid position is conserved. In addition, the in silico prediction for this alteration is inconclusive. Based on the available evidence, the clinical significance of this variant remains unclear.